The following is an entry in ClinVar:

ClinVar aggregate classification (germline): Benign. Review status: criteria provided, multiple submitters, no conflicts (2 of 4 stars). 2 submissions from 2 submitters: Benign (2). Last evaluated 2018-06-14.

Allele frequency attached by ClinVar (database versions not stated): 1000 Genomes Project 30x 0.13086; 1000 Genomes Project 0.13419; gnomAD 0.15968 and 0.16038; TOPMed 0.15969; gnomAD exomes 0.18620.
gnomAD v4.1: 174,372 of 958,490 alleles (18%); highest among the groups gnomAD compares: Middle Eastern, 23%; 17,591 homozygotes.

Submissions (2):

GeneDx
Classification: Benign. Last evaluated: 2018-06-14. Review status: criteria provided, single submitter. Criteria: GeneDx Variant Classification (06012015). Collection method: clinical testing. Allele origin: germline. Affected: yes.
Comment: This variant is considered likely benign or benign based on one or more of the following criteria: it is a conservative change, it occurs at a poorly conserved position in the protein, it is predicted to be benign by multiple in silico algorithms, and/or has population frequency not consistent with disease.

Breakthrough Genomics
Classification: Benign. Review status: criteria provided, single submitter. Criteria: ACMG Guidelines, 2015. Collection method: not provided. Allele origin: germline. Inheritance: Autosomal dominant inheritance. Affected: yes.

NM_020822.3(KCNT1):c.1337+121A>C

Gene: KCNT1 (potassium sodium-activated channel subfamily T member 1; plus strand). Cytogenetic location: 9q34.3.
Variant type: single nucleotide variant.
Coding change: c.1337+121A>C on transcript NM_020822.3 (MANE Select); 121 bases into the intron after coding-DNA position 1337, A replaced by C.
Molecular consequence: intron variant.
Genome position (GRCh38, 1-based): chr9:135,765,881, A>C. VCF-style: chr9-135765881-A-C. GRCh37 (hg19) VCF-style: chr9-138657727-A-C.
Other names: c.1202+121A>C (NM_001272003.2).
Identifiers: ClinVar variation 682125 (VCV000682125.2), dbSNP rs62583545, ClinGen allele CA13003884.
Genomic context (GRCh38, chr9:135,765,881, plus strand): 5'-TCAGGGCTGAGGCATTGACCGTCGCTCTCCTGGCCAATGAGAGCCATGAGAGCATTATAG[A>C]CTATCCCCAGGGTGGACCATCTAGGTGGACTGTCCAGGGTGGATCGTCCGGGGTGGACCA-3'